The following is an entry in ClinVar:

NM_015474.4(SAMHD1):c.208+5C>A

Gene: SAMHD1 (SAM and HD domain containing deoxynucleoside triphosphate triphosphohydrolase 1; minus strand). Cytogenetic location: 20q11.23.
Variant type: single nucleotide variant.
Coding change: c.208+5C>A on transcript NM_015474.4 (MANE Select); 5 bases into the intron after coding-DNA position 208, C replaced by A.
Molecular consequence: intron variant.
Genome position (GRCh38, 1-based): chr20:36,951,431, G>T on the plus strand (C>A on the coding strand, the complement: SAMHD1 is on the minus strand). VCF-style: chr20-36951431-G-T. GRCh37 (hg19) VCF-style: chr20-35579834-G-T.
Other names: c.208+5C>A (NM_001363729.2, NM_001363733.2).
Identifiers: ClinVar variation 4542387 (VCV004542387.1).

ClinVar aggregate classification (germline): Uncertain significance (1 of 4 stars; one submission).

Submission:

Mayo Clinic Laboratories, Mayo Clinic
Classification: Uncertain significance. Last evaluated: 2025-05-19. Review status: criteria provided, single submitter. Criteria: ACMG Guidelines, 2015. Collection method: clinical testing. Allele origin: germline. Observed: 1 variant allele.
Comment: BP4, PM2_supporting